The following is an entry in ClinVar:

NM_020631.6(PLEKHG5):c.1543-2A>G

Gene: PLEKHG5 (pleckstrin homology and RhoGEF domain containing G5; minus strand). Cytogenetic location: 1p36.31.
Variant type: single nucleotide variant.
Coding change: c.1543-2A>G on transcript NM_020631.6 (MANE Select); the canonical splice acceptor site of the intron before coding-DNA position 1543, A replaced by G.
Molecular consequence: splice acceptor variant.
Genome position (GRCh38, 1-based): chr1:6,470,645, T>C on the plus strand (A>G on the coding strand, the complement: PLEKHG5 is on the minus strand). VCF-style: chr1-6470645-T-C. GRCh37 (hg19) VCF-style: chr1-6530705-T-C.
Other names: c.1543-2A>G (NM_198681.4, NM_001265594.3, NM_001042664.2 and 2 more transcripts); c.1654-2A>G (NM_001042663.3, NM_001265592.2); c.1750-2A>G (NM_001265593.2).
Identifiers: ClinVar variation 1774884 (VCV001774884.7), dbSNP rs1644540599, ClinGen allele CA338126128.

ClinVar aggregate classification (germline): Conflicting classifications of pathogenicity. Review status: criteria provided, conflicting classifications (1 of 4 stars). 4 submissions from 4 submitters: Likely pathogenic (3); Uncertain significance (1). Last evaluated 2026-02-17.

Conditions:
Inborn genetic diseases. Identifiers: MedGen C0950123, MeSH D030342.
Neuronopathy, distal hereditary motor, autosomal recessive 4. Also called: NEUROPATHY, DISTAL HEREDITARY MOTOR, AUTOSOMAL RECESSIVE 4; Autosomal recessive lower motor neuron disease with childhood onset. Identifiers: Orphanet 206580, MedGen C1970211, MONDO:0012608, OMIM 611067.
PLEKHG5-related disorder. Also called: PLEKHG5-related condition.
Charcot-Marie-Tooth disease recessive intermediate C. Also called: CHARCOT-MARIE-TOOTH NEUROPATHY, RECESSIVE INTERMEDIATE C. Identifiers: Orphanet 369867, MedGen C3809309, MONDO:0014154, OMIM 615376.

Allele frequency attached by ClinVar (database versions not stated): gnomAD exomes below 0.00001.
gnomAD v4.1: 2 of 1,567,834 alleles (0.00013%); highest among the groups gnomAD compares: Non-Finnish European, 0.00017%; no homozygotes.

Submissions (4):

Women's Health and Genetics/Laboratory Corporation of America, LabCorp
Classification: Likely pathogenic for Neuronopathy, distal hereditary motor, autosomal recessive 4. Last evaluated: 2026-02-17. Review status: criteria provided, single submitter. Criteria: LabCorp Variant Classification Summary - May 2015. Collection method: clinical testing. Allele origin: germline.
Comment: Variant summary: PLEKHG5 c.1543-2A>G is located in a canonical splice-site and is predicted to affect mRNA splicing resulting in a significantly altered protein due to either exon skipping, shortening, or inclusion of intronic material. Variants that disrupt the consensus splice site are a relatively common cause of aberrant splicing and loss of PLEKHG5 function. Several computational tools predict a significant impact on normal splicing: Four predict the variant abolishes a 3' acceptor site. However, these predictions have yet to be confirmed by functional studies. The variant was absent in 178250 control chromosomes. To our knowledge, no occurrence of c.1543-2A>G in individuals affected with PLEKHG5-related conditions and no experimental evidence demonstrating its impact on protein function have been reported. ClinVar contains an entry for this variant (Variation ID: 1774884). Based on the evidence outlined above, the variant was classified as likely pathogenic.

Labcorp Genetics (formerly Invitae), Labcorp
Classification: Likely pathogenic for Neuronopathy, distal hereditary motor, autosomal recessive 4; Charcot-Marie-Tooth disease recessive intermediate C. Last evaluated: 2024-02-19. Review status: criteria provided, single submitter. Criteria: Invitae Variant Classification Sherloc (09022015). Collection method: clinical testing. Allele origin: germline.
Comment: This sequence change affects an acceptor splice site in intron 14 of the PLEKHG5 gene. It is expected to disrupt RNA splicing. Variants that disrupt the donor or acceptor splice site typically lead to a loss of protein function (PMID: 16199547), and loss-of-function variants in PLEKHG5 are known to be pathogenic (PMID: 17564964, 23777631). This variant is not present in population databases (gnomAD no frequency). This variant has not been reported in the literature in individuals affected with PLEKHG5-related conditions. ClinVar contains an entry for this variant (Variation ID: 1774884). Algorithms developed to predict the effect of sequence changes on RNA splicing suggest that this variant may disrupt the consensus splice site. In summary, the currently available evidence indicates that the variant is pathogenic, but additional data are needed to prove that conclusively. Therefore, this variant has been classified as Likely Pathogenic.

PreventionGenetics, part of Exact Sciences
Classification: Likely pathogenic for PLEKHG5-related condition. Last evaluated: 2023-07-02. Review status: criteria provided, single submitter. Criteria: ACMG Guidelines, 2015. Collection method: clinical testing. Allele origin: germline.
Comment: The PLEKHG5 c.1543-2A>G variant is predicted to disrupt the AG splice acceptor site and interfere with normal splicing. To our knowledge, this variant has not been reported in the literature or in a large population database, indicating this variant is rare. Variants that disrupt the consensus splice acceptor site in PLEKHG5 are expected to be pathogenic. This variant is interpreted as likely pathogenic.

Ambry Genetics
Classification: Uncertain significance for Inborn genetic diseases. Last evaluated: 2021-04-08. Review status: criteria provided, single submitter. Criteria: Ambry Variant Classification Scheme 2023. Collection method: clinical testing. Allele origin: germline.
Comment: The c.1543-2A>G intronic variant results from an A to G substitution two nucleotides upstream from coding exon 14 in the PLEKHG5 gene. Alterations that disrupt the canonical splice site are expected to result in aberrant splicing. In silico splice site analysis predicts that this alteration will weaken the native splice acceptor site. The resulting transcript is predicted to be in-frame and is not expected to trigger nonsense-mediated mRNA decay; however, direct evidence is unavailable. The exact functional effect of the missing amino acids is unknown. This nucleotide position is highly conserved in available vertebrate species. Since supporting evidence is limited at this time, the clinical significance of this alteration remains unclear.

Literature cited by the submitters: PubMed 16199547 (cited by Labcorp Genetics (formerly Invitae), Labcorp); PubMed 17564964 (cited by Labcorp Genetics (formerly Invitae), Labcorp); PubMed 23777631 (cited by Labcorp Genetics (formerly Invitae), Labcorp).